The following is an entry in ClinVar:

ClinVar aggregate classification (germline): Uncertain significance (1 of 4 stars; one submission).

Submission:

Ambry Genetics
Classification: Uncertain significance. Last evaluated: 2025-05-05. Review status: criteria provided, single submitter. Criteria: Ambry Variant Classification Scheme 2023. Collection method: clinical testing. Allele origin: germline.
Comment: The p.Y15S variant (also known as c.44A>C), located in coding exon 1 of the GFI1 gene, results from an A to C substitution at nucleotide position 44. The tyrosine at codon 15 is replaced by serine, an amino acid with dissimilar properties. This amino acid position is conserved. In addition, the in silico prediction for this alteration is inconclusive. Based on the available evidence, the clinical significance of this variant remains unclear.

NM_005263.5(GFI1):c.44A>C (p.Tyr15Ser)

Gene: GFI1 (growth factor independent 1 transcriptional repressor; minus strand). Cytogenetic location: 1p22.1.
Variant type: single nucleotide variant.
Coding change: c.44A>C on transcript NM_005263.5 (MANE Select); coding-DNA position 44, A replaced by C.
Protein change: p.Tyr15Ser; replaces tyrosine 15 with serine.
Molecular consequence: missense variant.
Genome position (GRCh38, 1-based): chr1:92,483,444, T>G on the plus strand (A>C on the coding strand, the complement: GFI1 is on the minus strand). VCF-style: chr1-92483444-T-G. GRCh37 (hg19) VCF-style: chr1-92949001-T-G.
Other names: c.44A>C, p.Tyr15Ser (NM_001127215.3, NM_001127216.3); short protein forms Y15S.
Identifiers: ClinVar variation 4029415 (VCV004029415.1).